The following is an entry in ClinVar:

NM_001306144.3(MTMR1):c.1894G>A (p.Val632Ile)

Gene: MTMR1 (myotubularin related protein 1; plus strand). Cytogenetic location: Xq28.
Variant type: single nucleotide variant.
Coding change: c.1894G>A on transcript NM_001306144.3 (MANE Select); coding-DNA position 1894, G replaced by A.
Protein change: p.Val632Ile; replaces valine 632 with isoleucine.
Molecular consequence: missense variant. On other transcripts: non-coding transcript variant (1).
Genome position (GRCh38, 1-based): chrX:150,762,601, G>A. VCF-style: chrX-150762601-G-A. GRCh37 (hg19) VCF-style: chrX-149931074-G-A.
Other names: c.1921G>A, p.Val641Ile (NM_001353990.2); c.1588G>A, p.Val530Ile (NM_001353991.1, NM_001353992.1, NM_001353993.1 and 3 more transcripts); c.1870G>A, p.Val624Ile (NM_003828.5); short protein forms V530I, V624I, V632I, V641I.
Identifiers: ClinVar variation 2661636 (VCV002661636.24), dbSNP rs201825888, ClinGen allele CA10539676.

ClinVar aggregate classification (germline): Likely benign (1 of 4 stars; one submission).

Allele frequency attached by ClinVar (database versions not stated): ESP Exome Variant Server 0.00019; gnomAD 0.00029; ExAC 0.00062; 1000 Genomes Project 30x 0.00083; 1000 Genomes Project 0.00106.
gnomAD v4.1: 283 of 1,210,642 alleles (0.023%); highest among the groups gnomAD compares: East Asian, 0.45%; 3 homozygotes.

Submission:

CeGaT Center for Human Genetics Tuebingen
Classification: Likely benign. Last evaluated: 2023-02-01. Review status: criteria provided, single submitter. Criteria: CeGaT Center For Human Genetics Tuebingen Variant Classification Criteria Version 2. Collection method: clinical testing. Allele origin: germline. Affected: yes. Observed: 2 variant alleles.
Comment: MTMR1: BP4, BS2